The following is an entry in ClinVar:

ClinVar aggregate classification (germline): Uncertain significance. Review status: criteria provided, multiple submitters, no conflicts (2 of 4 stars). 3 submissions from 3 submitters: Uncertain significance (3). Last evaluated 2024-03-22.

Conditions:
Cardiovascular phenotype. Identifiers: MedGen CN230736.
Familial hypobetalipoproteinemia 1. Also called: Hypobetalipoproteinemia, normotriglyceridemic; Acanthocytosis with hypobetalipoproteinemia; APOB-Related Familial Hypobetalipoproteinemia. Identifiers: MedGen C4551990, MONDO:0014252, OMIM 615558.
Hypercholesterolemia, autosomal dominant, type B (FHCL2). Also called: Familial hypercholesterolemia 2; APOB-Related Familial Hypercholesterolemia, Autosomal Dominant; Familial Hypercholesterolemia Type B; APOLIPOPROTEIN B-100, FAMILIAL DEFECTIVE; APOLIPOPROTEIN B-100, FAMILIAL LIGAND-DEFECTIVE; HYPERCHOLESTEROLEMIA, FAMILIAL, DUE TO LIGAND-DEFECTIVE APOLIPOPROTEIN B. Identifiers: MedGen C1704417, MONDO:0007751, OMIM 144010.

Allele frequency attached by ClinVar (database versions not stated): gnomAD 0.00001; gnomAD exomes 0.00001 and 0.00002; TOPMed 0.00001; ExAC 0.00002; 1000 Genomes Project 30x 0.00016; 1000 Genomes Project 0.00020.
gnomAD v4.1: 16 of 1,614,154 alleles (0.00099%); highest among the groups gnomAD compares: South Asian, 0.016%; no homozygotes.

Submissions (3):

Ambry Genetics
Classification: Uncertain significance for Cardiovascular phenotype. Last evaluated: 2024-03-22. Review status: criteria provided, single submitter. Criteria: Ambry Variant Classification Scheme 2023. Collection method: clinical testing. Allele origin: germline.
Comment: The p.V735M variant (also known as c.2203G>A), located in coding exon 15 of the APOB gene, results from a G to A substitution at nucleotide position 2203. The valine at codon 735 is replaced by methionine, an amino acid with highly similar properties. This amino acid position is conserved. In addition, this alteration is predicted to be tolerated by in silico analysis. Based on the available evidence, the clinical significance of this alteration remains unclear.

Fulgent Genetics
Classification: Uncertain significance for Hypercholesterolemia, autosomal dominant, type B; Familial hypobetalipoproteinemia 1. Last evaluated: 2021-10-06. Review status: criteria provided, single submitter. Criteria: ACMG Guidelines, 2015. Collection method: clinical testing. Allele origin: unknown.

Labcorp Genetics (formerly Invitae), Labcorp
Classification: Uncertain significance for Familial hypobetalipoproteinemia 1; Hypercholesterolemia, autosomal dominant, type B. Last evaluated: 2021-09-01. Review status: criteria provided, single submitter. Criteria: Invitae Variant Classification Sherloc (09022015). Collection method: clinical testing. Allele origin: germline.
Comment: This sequence change replaces valine with methionine at codon 735 of the APOB protein (p.Val735Met). The valine residue is moderately conserved and there is a small physicochemical difference between valine and methionine. This variant is present in population databases (rs542107305, ExAC 0.01%). This missense change has been observed in individual(s) with clinical features of familial hypercholesterolemia (Invitae). Algorithms developed to predict the effect of missense changes on protein structure and function output the following: SIFT: "Deleterious"; PolyPhen-2: "Benign"; Align-GVGD: "Class C0". The methionine amino acid residue is found in multiple mammalian species, which suggests that this missense change does not adversely affect protein function. In summary, the available evidence is currently insufficient to determine the role of this variant in disease. Therefore, it has been classified as a Variant of Uncertain Significance.

NM_000384.3(APOB):c.2203G>A (p.Val735Met)

Gene: APOB (apolipoprotein B; minus strand). Cytogenetic location: 2p24.1.
Variant type: single nucleotide variant.
Coding change: c.2203G>A on transcript NM_000384.3 (MANE Select); coding-DNA position 2203, G replaced by A.
Protein change: p.Val735Met; replaces valine 735 with methionine.
Molecular consequence: missense variant.
Genome position (GRCh38, 1-based): chr2:21,026,829, C>T on the plus strand (G>A on the coding strand, the complement: APOB is on the minus strand). VCF-style: chr2-21026829-C-T. GRCh37 (hg19) VCF-style: chr2-21249701-C-T.
Other names: c.2203G>A (NM_000384.2); short protein forms V735M.
Identifiers: ClinVar variation 1037761 (VCV001037761.6), dbSNP rs542107305, ClinGen allele CA055536.